The following is an entry in ClinVar:

NM_006383.4(CIB2):c.375_384delinsCTTAGT (p.Lys125fs)

Gene: CIB2 (calcium and integrin binding family member 2; minus strand). Cytogenetic location: 15q25.1.
Variant type: Indel.
Coding change: c.375_384delinsCTTAGT on transcript NM_006383.4 (MANE Select); coding-DNA positions 375 to 384, GGAGGACCTG replaced by CTTAGT.
Protein change: p.Lys125fs; shifts the reading frame from lysine 125.
Molecular consequence: frameshift variant. On other transcripts: non-coding transcript variant (1).
Genome position (GRCh38, 1-based): chr15:78,105,897-78,105,906, CAGGTCCTCC replaced by ACTAAG on the plus strand (GGAGGACCTG replaced by CTTAGT on the coding strand, the reverse complement: CIB2 is on the minus strand). VCF-style: chr15-78105897-CAGGTCCTCC-ACTAAG. GRCh37 (hg19) VCF-style: chr15-78398239-CAGGTCCTCC-ACTAAG.
Other names: c.246_255delinsCTTAGT, p.Lys82fs (NM_001271888.2); c.228_237delinsCTTAGT, p.Lys76fs (NM_001271889.2); c.390_399delinsCTTAGT, p.Lys130fs (NM_001301224.2); short protein forms K130fs, K82fs, K125fs, K76fs.
Identifiers: ClinVar variation 5005462 (VCV005005462.2).
Genomic context (GRCh38, chr15:78,105,897, plus strand): 5'-CACAAGCACCACCTCCTCCTCATCCAGCTCTGACTTAGTGAGCCGGGCCAGCGTCAGCTC[CAGGTCCTCC>ACTAAG]TTGCAGATGAAGTTGTCAGTGTTGAAGTCTGTAGGGCAGGGGTTGGACATGTTCAAGTCC-3'

ClinVar aggregate classification (germline): Likely pathogenic (1 of 4 stars; one submission).

Conditions:
Autosomal recessive nonsyndromic hearing loss 48. Also called: Deafness, autosomal recessive 48; Usher Syndrome Type 1J. Identifiers: Orphanet 231169, Orphanet 886, Orphanet 90636, MedGen C1836199, MONDO:0012273, OMIM 609439.

Submission:

Juno Genomics, Hangzhou Juno Genomics, Inc
Classification: Likely pathogenic for Autosomal recessive nonsyndromic hearing loss 48. Review status: criteria provided, single submitter. Criteria: ACMG Guidelines, 2015. Collection method: clinical testing. Allele origin: germline.
Comment: Null variant in a gene where loss of function (LOF) is a known mechanism of disease.;Absent from controls (or at extremely low frequency if recessive) in Genome Aggregation Database.